The following is an entry in ClinVar:

ClinVar aggregate classification (germline): Uncertain significance (1 of 4 stars; one submission).

Conditions:
Inborn genetic diseases. Identifiers: MedGen C0950123, MeSH D030342.

Allele frequency attached by ClinVar (database versions not stated): TOPMed 0.00003; 1000 Genomes Project 30x 0.00016; 1000 Genomes Project 0.00020.

Submission:

Ambry Genetics
Classification: Uncertain significance for Inborn genetic diseases. Last evaluated: 2022-01-12. Review status: criteria provided, single submitter. Criteria: Ambry Variant Classification Scheme 2023. Collection method: clinical testing. Allele origin: germline.
Comment: The c.307C>G (p.R103G) alteration is located in exon 4 (coding exon 4) of the C19orf70 gene. This alteration results from a C to G substitution at nucleotide position 307, causing the arginine (R) at amino acid position 103 to be replaced by a glycine (G). Based on data from gnomAD, the G allele has an overall frequency of <0.01% (6/182634) total alleles studied. The highest observed frequency was 0.05% (6/12428) of East Asian alleles. This amino acid position is not well conserved in available vertebrate species. This alteration is predicted to be tolerated by in silico analysis. Based on insufficient or conflicting evidence, the clinical significance of this alteration remains unclear.

NM_205767.3(MICOS13):c.307C>G (p.Arg103Gly)

Gene: MICOS13 (mitochondrial contact site and cristae organizing system subunit 13; minus strand). Cytogenetic location: 19p13.3.
Variant type: single nucleotide variant.
Coding change: c.307C>G on transcript NM_205767.3 (MANE Select); coding-DNA position 307, C replaced by G.
Protein change: p.Arg103Gly; replaces arginine 103 with glycine.
Molecular consequence: missense variant.
Genome position (GRCh38, 1-based): chr19:5,678,601, G>C on the plus strand (C>G on the coding strand, the complement: MICOS13 is on the minus strand). VCF-style: chr19-5678601-G-C. GRCh37 (hg19) VCF-style: chr19-5678612-G-C.
Other names: c.373C>G, p.Arg125Gly (NM_001308240.2, NM_001365761.2); short protein forms R103G, R125G.
Identifiers: ClinVar variation 3126312 (VCV003126312.1), dbSNP rs200518759, ClinGen allele CA304654666.